The following is an entry in ClinVar:

NM_032119.4(ADGRV1):c.5149A>G (p.Lys1717Glu)

Gene: ADGRV1 (adhesion G protein-coupled receptor V1; plus strand). Cytogenetic location: 5q14.3.
Variant type: single nucleotide variant.
Coding change: c.5149A>G on transcript NM_032119.4 (MANE Select); coding-DNA position 5149, A replaced by G.
Protein change: p.Lys1717Glu; replaces lysine 1717 with glutamic acid.
Molecular consequence: missense variant. On other transcripts: non-coding transcript variant (1).
Genome position (GRCh38, 1-based): chr5:90,675,281, A>G. VCF-style: chr5-90675281-A-G. GRCh37 (hg19) VCF-style: chr5-89971098-A-G.
Other names: short protein forms K1717E.
Identifiers: ClinVar variation 1014483 (VCV001014483.9), dbSNP rs1773059155, ClinGen allele CA360409594.

ClinVar aggregate classification (germline): Uncertain significance (1 of 4 stars; one submission).

Allele frequency attached by ClinVar (database versions not stated): gnomAD exomes 0.00001.
gnomAD v4.1: 12 of 1,613,726 alleles (0.00074%); highest among the groups gnomAD compares: East Asian, 0.02%; 1 homozygote.

Submission:

Labcorp Genetics (formerly Invitae), Labcorp
Classification: Uncertain significance. Last evaluated: 2021-03-27. Review status: criteria provided, single submitter. Criteria: Invitae Variant Classification Sherloc (09022015). Collection method: clinical testing. Allele origin: germline.
Comment: This sequence change replaces lysine with glutamic acid at codon 1717 of the ADGRV1 protein (p.Lys1717Glu). The lysine residue is weakly conserved and there is a small physicochemical difference between lysine and glutamic acid. In summary, the available evidence is currently insufficient to determine the role of this variant in disease. Therefore, it has been classified as a Variant of Uncertain Significance. Algorithms developed to predict the effect of missense changes on protein structure and function output the following: SIFT: "Tolerated"; PolyPhen-2: "Benign"; Align-GVGD: "Class C0". The glutamic acid amino acid residue is found in multiple mammalian species, suggesting that this missense change does not adversely affect protein function. These predictions have not been confirmed by published functional studies and their clinical significance is uncertain. This variant has not been reported in the literature in individuals with ADGRV1-related conditions. This variant is not present in population databases (ExAC no frequency).